The following is an entry in ClinVar:

NM_001378454.1(ALMS1):c.5923del (p.Glu1975fs)

Gene: ALMS1 (ALMS1 centrosome and basal body associated protein; plus strand). Cytogenetic location: 2p13.1.
Variant type: Deletion.
Coding change: c.5923del on transcript NM_001378454.1 (MANE Select); coding-DNA position 5923, one base deleted (G; older notation c.5923delG).
Protein change: p.Glu1975fs; shifts the reading frame from glutamic acid 1975.
Molecular consequence: frameshift variant.
Genome position (GRCh38, 1-based): chr2:73,452,450, G deleted. VCF-style (leftmost placement, unchanged base first): chr2-73452449-AG-A. GRCh37 (hg19) VCF-style: chr2-73679576-AG-A.
Other names: c.5926del, p.Glu1976fs (NM_015120.4); c.5926delG (NM_015120.4); short protein forms E1976fs, E1975fs.
Identifiers: ClinVar variation 92193 (VCV000092193.7), dbSNP rs398122994, ClinGen allele CA220118.

ClinVar aggregate classification (germline): Pathogenic. Review status: criteria provided, multiple submitters, no conflicts (2 of 4 stars). 4 submissions from 4 submitters: Pathogenic (3). 1 of the submissions does not count toward it. Last evaluated 2025-06-20.

Conditions:
ALMS1-related disorder. Also called: ALMS1-related condition.
Alstrom syndrome (ALMS). Identifiers: Orphanet 64, MedGen C0268425, MONDO:0008763, OMIM 203800.

Allele frequency attached by ClinVar (database versions not stated): gnomAD exomes below 0.00001.

Submissions (4):

Labcorp Genetics (formerly Invitae), Labcorp
Classification: Pathogenic for Alstrom syndrome. Last evaluated: 2025-06-20. Review status: criteria provided, single submitter. Criteria: Invitae Variant Classification Sherloc (09022015). Collection method: clinical testing. Allele origin: germline.
Comment: This sequence change creates a premature translational stop signal (p.Glu1976Serfs*8) in the ALMS1 gene. It is expected to result in an absent or disrupted protein product. Loss-of-function variants in ALMS1 are known to be pathogenic (PMID: 17594715). This variant is not present in population databases (gnomAD no frequency). This premature translational stop signal has been observed in individual(s) with clinical features of Alstrom syndrome (PMID: 24595103, 26283575). ClinVar contains an entry for this variant (Variation ID: 92193). For these reasons, this variant has been classified as Pathogenic.

Blueprint Genetics
Classification: Pathogenic for ALMS1-related disorders. Last evaluated: 2022-02-16. Review status: criteria provided, single submitter. Criteria: ACMG Guidelines, 2015. Collection method: clinical testing. Allele origin: germline. Affected: yes. Observed: 2 variant alleles.

Baylor-Hopkins Center for Mendelian Genomics, Johns Hopkins University School of Medicine
Classification: Pathogenic for Alstrom syndrome. Review status: criteria provided, single submitter. Criteria: Submitter's publication. Collection method: research. Allele origin: germline. Affected: yes. Observed: 1 compound heterozygote.

Johns Hopkins Genetic Resources Core Facility; Johns Hopkins University
No classification provided. Review status: no classification provided. Collection method: not provided. Allele origin: germline. Not counted in ClinVar's aggregate classification.

Literature cited by the submitters: PubMed 17594715 (cited by Labcorp Genetics (formerly Invitae), Labcorp); PubMed 24595103 (cited by Labcorp Genetics (formerly Invitae), Labcorp); PubMed 26283575 (cited by Labcorp Genetics (formerly Invitae), Labcorp).